The following is an entry in ClinVar:

NM_001368809.2(AMPD2):c.23C>G (p.Ser8Cys)

Genes: AMPD2 (adenosine monophosphate deaminase 2; plus strand), LOC129931109 (ATAC-STARR-seq lymphoblastoid active region 1448; plus strand). Cytogenetic location: 1p13.3.
Variant type: single nucleotide variant.
Coding change: c.23C>G on transcript NM_001368809.2 (MANE Select); coding-DNA position 23, C replaced by G.
Protein change: p.Ser8Cys; replaces serine 8 with cysteine.
Molecular consequence: missense variant. On other transcripts: intron variant (1).
Genome position (GRCh38, 1-based): chr1:109,621,198, C>G. VCF-style: chr1-109621198-C-G. GRCh37 (hg19) VCF-style: chr1-110163820-C-G.
Other names: c.185C>G (NM_001257360.1, NM_004037.6); c.91C>G, p.Leu31Val (NM_001308170.1); c.23C>G, p.Ser8Cys (NM_004037.9); c.10+920C>G (NM_139156.4); short protein forms L31V, S8C.
Identifiers: ClinVar variation 474995 (VCV000474995.12), dbSNP rs147463318, ClinGen allele CA992608.

ClinVar aggregate classification (germline): Uncertain significance. Review status: criteria provided, multiple submitters, no conflicts (2 of 4 stars). 2 submissions from 2 submitters: Uncertain significance (2). Last evaluated 2025-12-16.

Conditions:
Inborn genetic diseases. Identifiers: MedGen C0950123, MeSH D030342.
Hereditary spastic paraplegia 63. Also called: Spastic paraplegia 63, autosomal recessive. Identifiers: Orphanet 401805, MedGen C3810295, MONDO:0014305, OMIM 615686.
Pontocerebellar hypoplasia type 9. Identifiers: Orphanet 369920, MedGen C4014354, MONDO:0014351, OMIM 615809.

Allele frequency attached by ClinVar (database versions not stated): ExAC below 0.00001; gnomAD exomes 0.00003; TOPMed 0.00008; gnomAD 0.00005; ESP Exome Variant Server 0.00008.

Submissions (2):

Ambry Genetics
Classification: Uncertain significance for Inborn genetic diseases. Last evaluated: 2025-12-16. Review status: criteria provided, single submitter. Criteria: Ambry Variant Classification Scheme 2023. Collection method: clinical testing. Allele origin: germline.

Labcorp Genetics (formerly Invitae), Labcorp
Classification: Uncertain significance for Pontocerebellar hypoplasia type 9; Hereditary spastic paraplegia 63. Last evaluated: 2017-07-24. Review status: criteria provided, single submitter. Criteria: Invitae Variant Classification Sherloc (09022015). Collection method: clinical testing. Allele origin: germline.
Comment: In summary, the available evidence is currently insufficient to determine the role of this variant in disease. Therefore, it has been classified as a Variant of Uncertain Significance. Algorithms developed to predict the effect of missense changes on protein structure and function (SIFT, PolyPhen-2, Align-GVGD) all suggest that this variant is likely to be tolerated, but these predictions have not been confirmed by published functional studies and their clinical significance is uncertain. This variant has not been reported in the literature in individuals with AMPD2-related disease. The frequency data for this variant in the population databases is considered unreliable, as metrics indicate poor data quality at this position in the ExAC database. This sequence change replaces serine with cysteine at codon 62 of the AMPD2 protein (p.Ser62Cys). The serine residue is weakly conserved and there is a moderate physicochemical difference between serine and cysteine.